The following is an entry in ClinVar:

ClinVar aggregate classification (germline): Uncertain significance (1 of 4 stars; one submission).

Conditions:
Hereditary cancer-predisposing syndrome. Also called: Tumor predisposition; Hereditary neoplastic syndrome; Hereditary Cancer Syndrome; Neoplastic Syndromes, Hereditary. Identifiers: Orphanet 140162, MedGen C0027672, MeSH D009386, MONDO:0015356.

Submission:

Ambry Genetics
Classification: Uncertain significance for Hereditary cancer-predisposing syndrome. Last evaluated: 2023-11-13. Review status: criteria provided, single submitter. Criteria: Ambry Variant Classification Scheme 2023. Collection method: clinical testing. Allele origin: germline.
Comment: The p.G52V variant (also known as c.155G>T), located in coding exon 2 of the EPCAM gene, results from a G to T substitution at nucleotide position 155. The glycine at codon 52 is replaced by valine, an amino acid with dissimilar properties. This amino acid position is conserved. In addition, the in silico prediction for this alteration is inconclusive. Since supporting evidence is limited at this time, the clinical significance of this alteration remains unclear.

NM_002354.3(EPCAM):c.155G>T (p.Gly52Val)

Gene: EPCAM (epithelial cell adhesion molecule; plus strand). Cytogenetic location: 2p21.
Variant type: single nucleotide variant.
Coding change: c.155G>T on transcript NM_002354.3 (MANE Select); coding-DNA position 155, G replaced by T.
Protein change: p.Gly52Val; replaces glycine 52 with valine.
Molecular consequence: missense variant.
Genome position (GRCh38, 1-based): chr2:47,373,541, G>T. VCF-style: chr2-47373541-G-T. GRCh37 (hg19) VCF-style: chr2-47600680-G-T.
Other names: short protein forms G52V.
Identifiers: ClinVar variation 3222083 (VCV003222083.1), dbSNP rs770459165, ClinGen allele CA346722608.
Genomic context (GRCh38, chr2:47,373,541, plus strand): 5'-ACAAGCTGGCCGTAAACTGCTTTGTGAATAATAATCGTCAATGCCAGTGTACTTCAGTTG[G>T]TGCACAAAATACTGTCATTTGCTCAAAGCGTGAGTAAAATATCCTAATTACCTGTAAGCT-3'
Protein context (NP_002345.2, residues 42-62): NNRQCQCTSV[Gly52Val]AQNTVICSKL